The following is an entry in ClinVar:

NM_000093.5(COL5A1):c.1417C>G (p.Pro473Ala)

Gene: COL5A1 (collagen type V alpha 1 chain; plus strand). Cytogenetic location: 9q34.3.
Variant type: single nucleotide variant.
Coding change: c.1417C>G on transcript NM_000093.5 (MANE Select); coding-DNA position 1417, C replaced by G.
Protein change: p.Pro473Ala; replaces proline 473 with alanine.
Molecular consequence: missense variant.
Genome position (GRCh38, 1-based): chr9:134,738,501, C>G. VCF-style: chr9-134738501-C-G. GRCh37 (hg19) VCF-style: chr9-137630347-C-G.
Other names: c.1417C>G, p.Pro473Ala (NM_001278074.1); short protein forms P473A.
Identifiers: ClinVar variation 3252368 (VCV003252368.1), dbSNP rs2490534947.

ClinVar aggregate classification (germline): Uncertain significance (1 of 4 stars; one submission).

gnomAD v4.1: 1 of 1,614,044 alleles (0.000062%); highest among the groups gnomAD compares: Admixed American, 0.0017%; no homozygotes.

Submission:

GeneDx
Classification: Uncertain significance. Last evaluated: 2023-06-16. Review status: criteria provided, single submitter. Criteria: GeneDx Variant Classification Process June 2021. Collection method: clinical testing. Allele origin: germline. Affected: yes.
Comment: Not observed at significant frequency in large population cohorts (gnomAD); In silico analysis supports that this missense variant has a deleterious effect on protein structure/function; Not located in the triple helical region, where the majority of pathogenic missense variants occur (Symoens et al., 2012; HGMD); Has not been previously published as pathogenic or benign to our knowledge